The following is an entry in ClinVar:

ClinVar aggregate classification (germline): Uncertain significance. Review status: reviewed by expert panel (3 of 4 stars). 14 submissions from 14 submitters: Uncertain significance (1). 13 of the submissions do not count toward it. Last evaluated 2026-02-24.

Conditions:
Autosomal recessive limb-girdle muscular dystrophy type 2L (LGMDR12). Also called: MUSCULAR DYSTROPHY, LIMB-GIRDLE, AUTOSOMAL RECESSIVE 12; Limb-girdle muscular dystrophy, type 2L; Limb-Girdle Muscular Dystrophy R12 Anoctamin-5-Related (LGMD-R12). Identifiers: Orphanet 206549, MedGen C1969785, MONDO:0012652, OMIM 611307.
Gnathodiaphyseal dysplasia (GDD). Also called: GNATHODIAPHYSEAL SCLEROSIS; OSTEOGENESIS IMPERFECTA WITH UNUSUAL SKELETAL LESIONS. Identifiers: Orphanet 53697, MedGen C1833736, MONDO:0008151, OMIM 166260.
Autosomal recessive limb-girdle muscular dystrophy. Identifiers: Orphanet 102015, MedGen C2931907, MONDO:0015152.
ANO5-Related Muscle Diseases. Identifiers: MedGen CN180644.

Allele frequency attached by ClinVar (database versions not stated): ESP Exome Variant Server 0.00254; 1000 Genomes Project 30x 0.00109; gnomAD 0.00241 and 0.00238; gnomAD exomes 0.00215; TOPMed 0.00229; 1000 Genomes Project 0.00120; ExAC 0.00190.
gnomAD v4.1: 4,400 of 1,613,408 alleles (0.27%); highest among the groups gnomAD compares: Middle Eastern, 0.43%; 9 homozygotes.

Submissions (14):

ClinGen Limb Girdle Muscular Dystrophy Variant Curation Expert Panel, ClinGen
Classification: Uncertain significance for Autosomal recessive limb-girdle muscular dystrophy. Last evaluated: 2026-02-24. Review status: reviewed by expert panel. Criteria: ClinGen LGMD VCEP ACMG Specifications ANO5 V2.0.0. Collection method: curation. Allele origin: germline. Inheritance: Autosomal recessive inheritance.
Comment: The NM_213599.3: c.155A>G variant in ANO5 is a missense variant expected to cause the substitution of asparagine for serine at amino acid 52, p.(Asn52Ser). The filtering allele frequency for this variant is 0.003040 in gnomAD v4.1.0 (the lower threshold of the 95% confidence interval of 3686/1179680 European (non-Finnish) chromosomes), which is greater than the LGMD VCEP threshold for BA1, meeting this criterion. The Total population also includes 9 homozygous individuals. Across a selection of the available literature, this variant has been reported in at least 18 patients with features consistent with LGMD, including in unknown and confirmed phase with a pathogenic variant (PMID: 39666917, 39678382, 37526466, 37558402, 32337335, 30919934, 25326637, 37166430, 36157496, 35563815, 26911675, 26810512, 23606453, 22980763). To our knowledge, no homozygous patients have been reported. Screening methodologies for these patients varied, but WES/WGS was performed in a minority, with no alternative diagnosis identified. Given the high population frequency of this variant, case data were not scored. The REVEL score is 0.75, which is above the LGMD VCEP threshold of ≥0.70, evidence that correlates with impact to ANO5 function (PP3). While the frequency of this variant in gnomAD v4.1.0 is higher than expected for a typical high-penetrance pathogenic variant in ANO5, ANO5 is known to be associated with mild and late-onset disease. The VCEP could not exclude the possibility that the variant is enriched in the patient population and may cause disease when in trans to a sufficiently damaging allele, though there is currently no evidence to suggest it is pathogenic in the homozygous state. In light of this uncertainty, this variant is classified as a variant of uncertain significance for limb girdle muscular dystrophy based on VCEP consensus and the ACMG/AMP criteria applied, as specified by the ClinGen LGMD VCEP (specifications version 2.0.0; 02/24/2026): BA1, PP3.

CeGaT Center for Human Genetics Tuebingen
Classification: Likely benign. Last evaluated: 2026-08-01. Review status: criteria provided, single submitter. Criteria: CeGaT Center For Human Genetics Tuebingen Variant Classification Criteria Version 2. Collection method: clinical testing. Allele origin: germline. Affected: yes. Observed: 22 variant alleles. Not counted in ClinVar's aggregate classification.
Comment: ANO5: BP4, BS2

Labcorp Genetics (formerly Invitae), Labcorp
Classification: Benign for Autosomal recessive limb-girdle muscular dystrophy type 2L; Gnathodiaphyseal dysplasia. Last evaluated: 2026-02-04. Review status: criteria provided, single submitter. Criteria: Invitae Variant Classification Sherloc (09022015). Collection method: clinical testing. Allele origin: germline. Not counted in ClinVar's aggregate classification.

Mayo Clinic Laboratories, Mayo Clinic
Classification: Uncertain significance. Last evaluated: 2025-09-04. Review status: criteria provided, single submitter. Criteria: ACMG Guidelines, 2015. Collection method: clinical testing. Allele origin: germline. Observed: 9 variant alleles. Not counted in ClinVar's aggregate classification.
Comment: BP4_moderate

Blueprint Genetics
Classification: Likely benign. Last evaluated: 2024-11-26. Review status: criteria provided, single submitter. Criteria: ACMG Guidelines, 2015. Collection method: clinical testing. Allele origin: germline. Not counted in ClinVar's aggregate classification.

Dr.Nikuei Genetic Center
Classification: Benign for Gnathodiaphyseal dysplasia. Last evaluated: 2024-06-29. Review status: criteria provided, single submitter. Criteria: ACMG Guidelines, 2015. Collection method: clinical testing. Allele origin: germline. Affected: no. Not counted in ClinVar's aggregate classification.

Athena Diagnostics
Classification: Uncertain significance. Last evaluated: 2024-04-17. Review status: criteria provided, single submitter. Criteria: Athena Diagnostics Criteria. Collection method: clinical testing. Allele origin: unknown. Not counted in ClinVar's aggregate classification.
Comment: Available data are insufficient to determine the clinical significance of the variant at this time. The frequency of this variant in the general population is higher than would generally be expected for pathogenic variants in this gene. This variant has been identified in at least one individual with clinical features associated with this gene. In multiple individuals, this variant has been seen with a single recessive pathogenic variant in the same gene, suggesting this variant may also be pathogenic.

Women's Health and Genetics/Laboratory Corporation of America, LabCorp
Classification: Likely benign. Last evaluated: 2022-04-18. Review status: criteria provided, single submitter. Criteria: LabCorp Variant Classification Summary - May 2015. Collection method: clinical testing. Allele origin: germline. Not counted in ClinVar's aggregate classification.
Comment: Variant summary: ANO5 c.155A>G (p.Asn52Ser) results in a conservative amino acid change in the encoded protein sequence. Three of five in-silico tools predict a benign effect of the variant on protein function. The variant allele was found at a frequency of 0.0022 in 251140 control in the gnomAD v2 database, including 2 homozygotes. Additionally, the variant allele was observed predominantly at a frequency of 0.0048 within the Latino subpopulation at in the gnomAD v3 database (genomes data). The observed variant frequency within Latino control individuals in the gnomAD v3 database is over one fold of the estimated maximal expected allele frequency for a pathogenic variant in ANO5 causing Limb-Girdle Muscular Dystrophy, Autosomal Recessive (0.0048 vs 0.0047), strongly suggesting that the variant is a benign polymorphism found primarily in populations of Latino origin. c.155A>G has been reported in the literature in individuals affected with Limb-Girdle Muscular Dystrophy, Autosomal Recessive (Sarkozy_2012, Sarkozy__2013, Wahbi_2013, Lee_2014, Savarese_2015, Nallamilli_2018, Ten Dam_2019, Mair_2020). These reports do not provide unequivocal conclusions about association of the variant with Limb-Girdle Muscular Dystrophy, Autosomal Recessive. To our knowledge, no experimental evidence demonstrating an impact on protein function has been reported. Ten ClinVar submitters (evaluation after 2014) cite the variant as uncertain significance (n=7), benign (n=1), likely benign (n=1) and likely pathogenic (n=1). Based on the evidence outlined above, the variant was classified as likely benign.

GeneDx
Classification: Likely benign. Last evaluated: 2020-12-21. Review status: criteria provided, single submitter. Criteria: GeneDx Variant Classification Process June 2021. Collection method: clinical testing. Allele origin: germline. Affected: yes. Not counted in ClinVar's aggregate classification.
Comment: This variant is associated with the following publications: (PMID: 22980763, 23041008, 26810512, 31931849, 32419263, 25891276, 26911675, 25326637, 23606453, 30564623, 30919934, 31517061)

Institute of Medical Genetics and Applied Genomics, University Hospital Tübingen
Classification: Likely pathogenic. Last evaluated: 2020-10-23. Review status: criteria provided, single submitter. Criteria: ACMG Guidelines, 2015. Collection method: clinical testing. Allele origin: germline. Inheritance: Autosomal unknown. Affected: yes. Not counted in ClinVar's aggregate classification.

Mendelics
Classification: Uncertain significance for Gnathodiaphyseal dysplasia. Last evaluated: 2019-05-28. Review status: criteria provided, single submitter. Criteria: Mendelics Assertion Criteria 2017. Collection method: clinical testing. Allele origin: unknown. Not counted in ClinVar's aggregate classification.

Genomic Research Center, Shahid Beheshti University of Medical Sciences
Classification: Uncertain significance. Last evaluated: 2019-01-01. Review status: criteria provided, single submitter. Criteria: ACMG Guidelines, 2015. Collection method: clinical testing. Allele origin: unknown. Affected: no. Observed: 1 variant allele. Not counted in ClinVar's aggregate classification.

Eurofins Ntd Llc (ga)
Classification: Uncertain significance. Last evaluated: 2018-05-03. Review status: criteria provided, single submitter. Criteria: EGL ClinVar v180209 classification definitions. Collection method: clinical testing. Allele origin: germline. Observed: 17 variant alleles, 17 heterozygotes. Not counted in ClinVar's aggregate classification.

Illumina Laboratory Services, Illumina
Classification: Uncertain significance for ANO5-Related Muscle Diseases. Last evaluated: 2017-08-24. Review status: criteria provided, single submitter. Criteria: ICSL Variant Classification Criteria 13 December 2019. Collection method: clinical testing. Allele origin: germline. Not counted in ClinVar's aggregate classification.
Comment: This variant was observed as part of a predisposition screen in an ostensibly healthy population. A literature search was performed for the gene, cDNA change, and amino acid change (where applicable). Publications were found based on this search. However, the evidence from the literature, in combination with allele frequency data from public databases where available, was not sufficient to rule this variant in or out of causing disease. Therefore, this variant is classified as a variant of unknown significance.

Literature cited by the submitters: PubMed 22980763 (cited by 5 submitters); PubMed 23041008 (cited by 5 submitters); PubMed 23606453 (cited by 5 submitters); PubMed 25326637 (cited by 4 submitters); PubMed 25891276 (cited by 4 submitters); PubMed 26810512 (cited by Mayo Clinic Laboratories, Mayo Clinic and Athena Diagnostics); PubMed 26911675 (cited by Mayo Clinic Laboratories, Mayo Clinic and Athena Diagnostics); PubMed 31931849 (cited by 3 submitters); PubMed 32419263 (cited by 3 submitters); PubMed 35563815 (cited by Mayo Clinic Laboratories, Mayo Clinic and Athena Diagnostics); PubMed 36157496 (cited by Mayo Clinic Laboratories, Mayo Clinic and Athena Diagnostics); PubMed 37166430 (cited by Mayo Clinic Laboratories, Mayo Clinic); PubMed 39095811 (cited by Mayo Clinic Laboratories, Mayo Clinic); PubMed 30919934 (cited by Athena Diagnostics and Women's Health and Genetics/Laboratory Corporation of America, LabCorp); PubMed 30564623 (cited by Athena Diagnostics and Women's Health and Genetics/Laboratory Corporation of America, LabCorp); PubMed 31517061 (cited by Athena Diagnostics).

NM_213599.3(ANO5):c.155A>G (p.Asn52Ser)

Gene: ANO5 (anoctamin 5; plus strand). Cytogenetic location: 11p14.3.
Variant type: single nucleotide variant.
Coding change: c.155A>G on transcript NM_213599.3 (MANE Select); coding-DNA position 155, A replaced by G.
Protein change: p.Asn52Ser; replaces asparagine 52 with serine.
Molecular consequence: missense variant.
Genome position (GRCh38, 1-based): chr11:22,218,262, A>G. VCF-style: chr11-22218262-A-G. GRCh37 (hg19) VCF-style: chr11-22239808-A-G.
Other names: NM_213599.3(ANO5):c.155A>G; c.152A>G, p.Asn51Ser (NM_001142649.2); short protein forms N52S, N51S.
Identifiers: ClinVar variation 197403 (VCV000197403.78), dbSNP rs143777403, ClinGen allele CA245507.